The following is an entry in ClinVar:

ClinVar aggregate classification (germline): Uncertain significance (1 of 4 stars; one submission).

Allele frequency attached by ClinVar (database versions not stated): TOPMed below 0.00001; gnomAD 0.00001.
gnomAD v4.1: 1 of 1,614,076 alleles (0.000062%); highest among the groups gnomAD compares: Non-Finnish European, 0.000085%; no homozygotes.

Submission:

Labcorp Genetics (formerly Invitae), Labcorp
Classification: Uncertain significance. Last evaluated: 2022-12-26. Review status: criteria provided, single submitter. Criteria: Invitae Variant Classification Sherloc (09022015). Collection method: clinical testing. Allele origin: germline.
Comment: In summary, the available evidence is currently insufficient to determine the role of this variant in disease. Therefore, it has been classified as a Variant of Uncertain Significance. Algorithms developed to predict the effect of sequence changes on RNA splicing suggest that this variant may disrupt the consensus splice site. Algorithms developed to predict the effect of missense changes on protein structure and function (SIFT, PolyPhen-2, Align-GVGD) all suggest that this variant is likely to be tolerated. ClinVar contains an entry for this variant (Variation ID: 1351787). This variant has not been reported in the literature in individuals affected with NRL-related conditions. This variant is not present in population databases (gnomAD no frequency). This sequence change replaces glycine, which is neutral and non-polar, with aspartic acid, which is acidic and polar, at codon 30 of the NRL protein (p.Gly30Asp).

NM_001354768.3(NRL):c.89G>A (p.Gly30Asp)

Gene: NRL (neural retina leucine zipper; minus strand). Cytogenetic location: 14q11.2.
Variant type: single nucleotide variant.
Coding change: c.89G>A on transcript NM_001354768.3 (MANE Select); coding-DNA position 89, G replaced by A.
Protein change: p.Gly30Asp; replaces glycine 30 with aspartic acid.
Molecular consequence: missense variant. On other transcripts: intron variant (1).
Genome position (GRCh38, 1-based): chr14:24,082,760, C>T on the plus strand (G>A on the coding strand, the complement: NRL is on the minus strand). VCF-style: chr14-24082760-C-T. GRCh37 (hg19) VCF-style: chr14-24551969-C-T.
Other names: c.89G>A, p.Gly30Asp (NM_001354769.1, NM_006177.5); c.66+23G>A (NM_001354770.2); short protein forms G30D.
Identifiers: ClinVar variation 1351787 (VCV001351787.6), dbSNP rs1268550629, ClinGen allele CA389282339.